The following is an entry in ClinVar:

NM_000059.4(BRCA2):c.3859_3860del (p.Lys1286_Asn1287insTer)

Gene: BRCA2 (BRCA2 DNA repair associated; plus strand). Cytogenetic location: 13q13.1.
Variant type: Deletion.
Coding change: c.3859_3860del on transcript NM_000059.4 (MANE Select); coding-DNA positions 3859 to 3860, 2 bases deleted (AA; older notation c.3859_3860delAA).
Protein change: p.Lys1286_Asn1287insTer.
Molecular consequence: nonsense.
Genome position (GRCh38, 1-based): chr13:32,338,214-32,338,215, AA deleted; deleting any 2 consecutive bases within chr13:32,338,209-32,338,215 gives the same sequence; the c. name uses the placement nearest the transcript's 3' end. VCF-style (leftmost placement, unchanged base first): chr13-32338208-GAA-G. GRCh37 (hg19) VCF-style: chr13-32912345-GAA-G.
Other names: 4087delAA; c.3859_3860delAA (NM_000059.3).
Identifiers: ClinVar variation 51543 (VCV000051543.20), dbSNP rs80359406, ClinGen allele CA018979.

ClinVar aggregate classification (germline): Pathogenic. Review status: reviewed by expert panel (3 of 4 stars). 7 submissions from 7 submitters: Pathogenic (1). 6 of the submissions do not count toward it. Last evaluated 2016-09-08.

Conditions:
Hereditary breast ovarian cancer syndrome. Also called: Hereditary breast and ovarian cancer syndrome; Hereditary breast and ovarian cancer; Hereditary breast and ovarian cancer syndrome (HBOC); Breast and ovarian cancer; Hereditary breast and/or ovarian cancer syndrome; BRCA1- and BRCA2-Associated Hereditary Breast and Ovarian Cancer. Identifiers: Orphanet 145, MedGen C0677776, MeSH D061325, MONDO:0003582. Disease mechanism: loss of function.
Hereditary cancer-predisposing syndrome. Also called: Neoplastic Syndromes, Hereditary; Tumor predisposition; Hereditary Cancer Syndrome; Hereditary neoplastic syndrome. Identifiers: Orphanet 140162, MedGen C0027672, MeSH D009386, MONDO:0015356.
Breast-ovarian cancer, familial, susceptibility to, 2 (BROVCA2). Also called: BRCA2 Hereditary Breast and Ovarian Cancer. Identifiers: Orphanet 145, MedGen C2675520, MONDO:0012933, OMIM 612555. Disease mechanism: loss of function.

Submissions (7):

Evidence-based Network for the Interpretation of Germline Mutant Alleles (ENIGMA)
Classification: Pathogenic for Breast-ovarian cancer, familial, susceptibility to, 2. Last evaluated: 2016-09-08. Review status: reviewed by expert panel. Criteria: ENIGMA BRCA1/2 Classification Criteria (2015). Collection method: curation. Allele origin: germline.
Comment: Variant allele predicted to encode a truncated non-functional protein.

Labcorp Genetics (formerly Invitae), Labcorp
Classification: Pathogenic for Hereditary breast ovarian cancer syndrome. Last evaluated: 2025-04-09. Review status: criteria provided, single submitter. Criteria: Invitae Variant Classification Sherloc (09022015). Collection method: clinical testing. Allele origin: germline. Not counted in ClinVar's aggregate classification.
Comment: This sequence change creates a premature translational stop signal (p.Asn1287*) in the BRCA2 gene. It is expected to result in an absent or disrupted protein product. Loss-of-function variants in BRCA2 are known to be pathogenic (PMID: 20104584). This variant is not present in population databases (gnomAD no frequency). This variant has not been reported in the literature in individuals affected with BRCA2-related conditions. ClinVar contains an entry for this variant (Variation ID: 51543). For these reasons, this variant has been classified as Pathogenic.

Ambry Genetics
Classification: Pathogenic for Hereditary cancer-predisposing syndrome. Last evaluated: 2024-04-04. Review status: criteria provided, single submitter. Criteria: Ambry Variant Classification Scheme 2023. Collection method: clinical testing. Allele origin: germline. Not counted in ClinVar's aggregate classification.
Comment: The c.3859_3860delAA pathogenic mutation, located in coding exon 10 of the BRCA2 gene, results from a deletion of two nucleotides at nucleotide positions 3859 to 3860, causing a translational frameshift with a predicted alternate stop codon (p.N1287*). This alteration is expected to result in loss of function by premature protein truncation or nonsense-mediated mRNA decay. As such, this alteration is interpreted as a disease-causing mutation.

Color Diagnostics, LLC DBA Color Health
Classification: Pathogenic for Hereditary cancer-predisposing syndrome. Last evaluated: 2020-01-15. Review status: criteria provided, single submitter. Criteria: ACMG Guidelines, 2015. Collection method: clinical testing. Allele origin: germline. Not counted in ClinVar's aggregate classification.
Comment: This variant deletes 2 nucleotides in exon 11 of the BRCA2 gene, creating a frameshift and premature translation stop signal. This variant is expected to result in an absent or non-functional protein product. This variant has not been identified in the general population by the Genome Aggregation Database (gnomAD). Loss of BRCA2 function is a known mechanism of disease. Based on the available evidence, this variant is classified as Pathogenic.

Counsyl
Classification: Likely pathogenic for Breast-ovarian cancer, familial, susceptibility to, 2. Last evaluated: 2016-03-29. Review status: no assertion criteria provided. Collection method: clinical testing. Allele origin: unknown. Not counted in ClinVar's aggregate classification.

Research Molecular Genetics Laboratory, Women's College Hospital, University of Toronto
Classification: Pathogenic for Hereditary breast ovarian cancer syndrome. Last evaluated: 2014-01-31. Review status: no assertion criteria provided. Collection method: research. Allele origin: germline. Affected: yes. Study: The Canadian Open Genetics Repository (COGR). Not counted in ClinVar's aggregate classification.

Breast Cancer Information Core (BIC) (BRCA2)
Classification: Pathogenic for Breast-ovarian cancer, familial 2. Last evaluated: 2003-12-23. Review status: no assertion criteria provided. Collection method: clinical testing. Allele origin: germline. Affected: yes. Observed: 1 variant allele. Not counted in ClinVar's aggregate classification.

Literature cited by the submitters: PubMed 20104584 (cited by Labcorp Genetics (formerly Invitae), Labcorp); PubMed 26635394 (cited by Counsyl).